The following is an entry in ClinVar:

ClinVar aggregate classification (germline): Uncertain significance (1 of 4 stars; one submission).

Conditions:
Psoriasis 2. Identifiers: MedGen C1864497, MONDO:0011269, OMIM 602723.
Pityriasis rubra pilaris (PRP). Also called: Pityriasis rubra pilaris--familial type. Identifiers: Orphanet 2897, MedGen C0032027, MONDO:0100017, OMIM 173200, MONDO:0008251.

Allele frequency attached by ClinVar (database versions not stated): TOPMed below 0.00001; gnomAD 0.00001.
gnomAD v4.1: 1 of 1,613,054 alleles (0.000062%); highest among the groups gnomAD compares: Non-Finnish European, 0.000085%; no homozygotes.

Submission:

Labcorp Genetics (formerly Invitae), Labcorp
Classification: Uncertain significance for Pityriasis rubra pilaris; Psoriasis 2. Last evaluated: 2024-03-01. Review status: criteria provided, single submitter. Criteria: Invitae Variant Classification Sherloc (09022015). Collection method: clinical testing. Allele origin: germline.
Comment: This sequence change replaces glutamine, which is neutral and polar, with histidine, which is basic and polar, at codon 402 of the CARD14 protein (p.Gln402His). This variant is not present in population databases (gnomAD no frequency). This variant has not been reported in the literature in individuals affected with CARD14-related conditions. Advanced modeling of protein sequence and biophysical properties (such as structural, functional, and spatial information, amino acid conservation, physicochemical variation, residue mobility, and thermodynamic stability) performed at Invitae indicates that this missense variant is expected to disrupt CARD14 protein function with a positive predictive value of 80%. In summary, the available evidence is currently insufficient to determine the role of this variant in disease. Therefore, it has been classified as a Variant of Uncertain Significance.

NM_001366385.1(CARD14):c.1206G>C (p.Gln402His)

Gene: CARD14 (caspase recruitment domain family member 14; plus strand). Cytogenetic location: 17q25.3.
Variant type: single nucleotide variant.
Coding change: c.1206G>C on transcript NM_001366385.1 (MANE Select); coding-DNA position 1206, G replaced by C.
Protein change: p.Gln402His; replaces glutamine 402 with histidine.
Molecular consequence: missense variant. On other transcripts: non-coding transcript variant (1).
Genome position (GRCh38, 1-based): chr17:80,191,439, G>C. VCF-style: chr17-80191439-G-C. GRCh37 (hg19) VCF-style: chr17-78165238-G-C.
Other names: c.1206G>C, p.Gln402His (NM_001257970.1, NM_024110.4); c.495G>C, p.Gln165His (NM_052819.3); short protein forms Q165H, Q402H.
Identifiers: ClinVar variation 2946743 (VCV002946743.3), dbSNP rs1429329304, ClinGen allele CA401346467.